The following is an entry in ClinVar:

NM_001005373.4(LRSAM1):c.1225C>G (p.Gln409Glu)

Gene: LRSAM1 (leucine rich repeat and sterile alpha motif containing 1; plus strand). Cytogenetic location: 9q33.3.
Variant type: single nucleotide variant.
Coding change: c.1225C>G on transcript NM_001005373.4 (MANE Select); coding-DNA position 1225, C replaced by G.
Protein change: p.Gln409Glu; replaces glutamine 409 with glutamic acid.
Molecular consequence: missense variant. On other transcripts: non-coding transcript variant (2).
Genome position (GRCh38, 1-based): chr9:127,485,801, C>G. VCF-style: chr9-127485801-C-G. GRCh37 (hg19) VCF-style: chr9-130248080-C-G.
Other names: c.1225C>G, p.Gln409Glu (NM_001005374.4, NM_001190723.3, NM_001384142.1 and 2 more transcripts); c.436C>G, p.Gln146Glu (NM_001384144.1); c.1225C>G (NM_138361.4); short protein forms Q409E, Q146E.
Identifiers: ClinVar variation 365027 (VCV000365027.43), dbSNP rs149540339, ClinGen allele CA5246895.

ClinVar aggregate classification (germline): Conflicting classifications of pathogenicity. Review status: criteria provided, conflicting classifications (1 of 4 stars). 10 submissions from 10 submitters: Uncertain significance (5); Likely benign (5). Last evaluated 2026-06-01.

Conditions:
Inborn genetic diseases. Identifiers: MedGen C0950123, MeSH D030342.
Charcot-Marie-Tooth disease axonal type 2P. Also called: CHARCOT-MARIE-TOOTH DISEASE, AXONAL, TYPE 2G; CMT 2G; Charcot-Marie-Tooth Neuropathy Type 2G; CHARCOT-MARIE-TOOTH NEUROPATHY, TYPE 2P. Identifiers: Orphanet 300319, Orphanet 99941, MedGen C3280797, MONDO:0013753, OMIM 614436.
LRSAM1-related disorder. Also called: LRSAM1-related condition.
Charcot-Marie-Tooth disease. Also called: Charcot-Marie-Tooth Neuropathy; Charcot-Marie-Tooth Hereditary Neuropathy. Identifiers: Orphanet 166, MedGen C0007959, MONDO:0015626.

Allele frequency attached by ClinVar (database versions not stated): TOPMed 0.00037; gnomAD 0.00038 and 0.00039; gnomAD exomes 0.00043 and 0.00045; ExAC 0.00045; ESP Exome Variant Server 0.00077.
gnomAD v4.1: 706 of 1,614,020 alleles (0.044%); highest among the groups gnomAD compares: Non-Finnish European, 0.053%; no homozygotes.

Submissions (10):

CeGaT Center for Human Genetics Tuebingen
Classification: Uncertain significance. Last evaluated: 2026-06-01. Review status: criteria provided, single submitter. Criteria: CeGaT Center For Human Genetics Tuebingen Variant Classification Criteria Version 2. Collection method: clinical testing. Allele origin: germline. Affected: yes. Observed: 3 variant alleles.
Comment: LRSAM1: PM2, BP4

Labcorp Genetics (formerly Invitae), Labcorp
Classification: Likely benign for Charcot-Marie-Tooth disease axonal type 2P. Last evaluated: 2026-01-11. Review status: criteria provided, single submitter. Criteria: Invitae Variant Classification Sherloc (09022015). Collection method: clinical testing. Allele origin: germline.

Ambry Genetics
Classification: Uncertain significance for Inborn genetic diseases. Last evaluated: 2025-07-02. Review status: criteria provided, single submitter. Criteria: Ambry Variant Classification Scheme 2023. Collection method: clinical testing. Allele origin: germline.
Comment: Unlikely to be causative of LRSAM1-related Charcot-Marie-Tooth disease, type 2 (AD) Based on insufficient or conflicting evidence, the clinical significance of this alteration remains unclear.

PreventionGenetics, part of Exact Sciences
Classification: Likely benign for LRSAM1-related condition. Last evaluated: 2025-02-18. Review status: criteria provided, single submitter. Criteria: ACMG Guidelines, 2015. Collection method: clinical testing. Allele origin: germline.
Comment: This variant is classified as likely benign based on ACMG/AMP sequence variant interpretation guidelines (Richards et al. 2015 PMID: 25741868, with internal and published modifications).

Women's Health and Genetics/Laboratory Corporation of America, LabCorp
Classification: Uncertain significance. Last evaluated: 2024-12-23. Review status: criteria provided, single submitter. Criteria: LabCorp Variant Classification Summary - May 2015. Collection method: clinical testing. Allele origin: germline.
Comment: Variant summary: LRSAM1 c.1225C>G (p.Gln409Glu) results in a conservative amino acid change in the encoded protein sequence. Four of five in-silico tools predict a benign effect of the variant on protein function. The variant allele was found at a frequency of 0.00043 in 251446 control chromosomes, predominantly at a frequency of 0.00076 within the Non-Finnish European subpopulation in the gnomAD database. This frequency is not significantly higher than estimated for a pathogenic variant in LRSAM1 causing Charcot-Marie-Tooth disease axonal type 2P-AR (0.00043 vs 0.0011), allowing no conclusion about variant significance. c.1225C>G has been reported in the literature in individuals affected with Charcot-Marie-Tooth disease without strong evidence for causality (Volodarsky_2021). These report(s) do not provide unequivocal conclusions about association of the variant with Charcot-Marie-Tooth disease axonal type 2P-AR. To our knowledge, no experimental evidence demonstrating an impact on protein function has been reported. The following publication has been ascertained in the context of this evaluation (PMID: 32376792). ClinVar contains an entry for this variant (Variation ID: 365027). Based on the evidence outlined above, the variant was classified as uncertain significance.

Blueprint Genetics
Classification: Uncertain significance. Last evaluated: 2024-11-20. Review status: criteria provided, single submitter. Criteria: ACMG Guidelines, 2015. Collection method: clinical testing. Allele origin: germline.

ARUP Laboratories, Molecular Genetics and Genomics, ARUP Laboratories
Classification: Uncertain significance for Charcot-Marie-Tooth disease axonal type 2P. Last evaluated: 2024-03-22. Review status: criteria provided, single submitter. Criteria: ARUP Molecular Germline Variant Investigation Process 2024. Collection method: clinical testing. Allele origin: germline.
Comment: The LRSAM1 c.1225C>G; p.Gln409Glu variant (rs149540339; ClinVar Variation ID: 365027) is reported in the literature in three individuals included in a cohort of patients affected with Charcot-Marie-Tooth disease; however, further evidence of causality was not presented (Volodarsky 2021). This variant is found in non-Finnish European population with an allele frequency of 0.07% (96/129166 alleles) in the Genome Aggregation Database (v2.1.1). Computational analyses predict that this variant is neutral (REVEL: 0.067). Due to limited information, the clinical significance of this variant is uncertain at this time. References: Volodarsky M et al. Comprehensive genetic sequence and copy number analysis for Charcot-Marie-Tooth disease in a Canadian cohort of 2517 patients. J Med Genet. 2021 Apr;58(4):284-288. PMID: 32376792.

GeneDx
Classification: Likely benign. Last evaluated: 2020-03-26. Review status: criteria provided, single submitter. Criteria: GeneDx Variant Classification Process June 2021. Collection method: clinical testing. Allele origin: germline. Affected: yes.
Comment: This variant is associated with the following publications: (PMID: 32376792)

Illumina Laboratory Services, Illumina
Classification: Likely benign for Charcot-Marie-Tooth disease axonal type 2P. Last evaluated: 2018-01-12. Review status: criteria provided, single submitter. Criteria: ICSL Variant Classification Criteria 13 December 2019. Collection method: clinical testing. Allele origin: germline.
Comment: This variant was observed in the ICSL laboratory as part of a predisposition screen in an ostensibly healthy population. It had not been previously curated by ICSL or reported in the Human Gene Mutation Database (HGMD: prior to June 1st, 2018), and was therefore a candidate for classification through an automated scoring system. Utilizing variant allele frequency, disease prevalence and penetrance estimates, and inheritance mode, an automated score was calculated to assess if this variant is too frequent to cause the disease. Based on the score and internal cut-off values, a variant classified as likely benign is not then subjected to further curation. The score for this variant resulted in a classification of likely benign for this disease.

Molecular Genetics Laboratory, London Health Sciences Centre
Classification: Likely benign for Charcot-Marie-Tooth disease. Review status: criteria provided, single submitter. Criteria: ACMG Guidelines, 2015. Collection method: clinical testing. Allele origin: germline. Affected: yes.

Literature cited by the submitters: PubMed 32376792 (cited by Women's Health and Genetics/Laboratory Corporation of America, LabCorp).